The following is an entry in ClinVar:

ClinVar aggregate classification (germline): Likely benign (1 of 4 stars; one submission).

Conditions:
NRP2-related disorder. Also called: NRP2-related condition.

Submission:

PreventionGenetics, part of Exact Sciences
Classification: Likely benign for NRP2-related condition. Last evaluated: 2025-08-08. Review status: criteria provided, single submitter. Criteria: ACMG Guidelines, 2015. Collection method: clinical testing. Allele origin: germline.
Comment: This variant is classified as likely benign based on ACMG/AMP sequence variant interpretation guidelines (Richards et al. 2015 PMID: 25741868, with internal and published modifications).

NM_003872.3(NRP2):c.687C>T (p.Tyr229=)

Gene: NRP2 (neuropilin 2; plus strand). Cytogenetic location: 2q33.3.
Variant type: single nucleotide variant.
Coding change: c.687C>T on transcript NM_003872.3 (MANE Select); coding-DNA position 687, C replaced by T.
Protein change: p.Tyr229=; no amino-acid change (tyrosine 229 retained).
Molecular consequence: synonymous variant.
Genome position (GRCh38, 1-based): chr2:205,723,807, C>T. VCF-style: chr2-205723807-C-T. GRCh37 (hg19) VCF-style: chr2-206588531-C-T.
Other names: c.687C>T, p.Tyr229= (NM_018534.4, NM_201264.2, NM_201266.2 and 2 more transcripts).
Identifiers: ClinVar variation 4984569 (VCV004984569.1).
Genomic context (GRCh38, chr2:205,723,807, plus strand): 5'-TTGATTTCCACTGACTTCTCTTTGTCTTGAATGTCCAGTTGGCCCCCTGATTGGCAAGTA[C>T]TGTGGGACCAAAACACCCTCTGAACTTCGTTCATCGACGGGGATCCTCTCCCTGACCTTT-3'
Protein context (NP_003863.2, residues 219-239): IPHVGPLIGK[Tyr229=]CGTKTPSELR